The following is an entry in ClinVar:

ClinVar aggregate classification (germline): Uncertain significance. Review status: criteria provided, multiple submitters, no conflicts (2 of 4 stars). 4 submissions from 4 submitters: Uncertain significance (4). Last evaluated 2025-08-04.

Conditions:
Nemaline myopathy 8 (NEM8). Also called: Nemaline myopathy 8, autosomal recessive. Identifiers: Orphanet 171430, MedGen C3809209, MONDO:0014138, OMIM 615348.
Inborn genetic diseases. Identifiers: MedGen C0950123, MeSH D030342.

Allele frequency attached by ClinVar (database versions not stated): gnomAD exomes 0.00001 and 0.00004; 1000 Genomes Project 30x 0.00016; gnomAD 0.00019; 1000 Genomes Project 0.00020; TOPMed 0.00015; ExAC 0.00005; ESP Exome Variant Server 0.00023.
gnomAD v4.1: 44 of 1,613,788 alleles (0.0027%); highest among the groups gnomAD compares: African/African-American, 0.052%; no homozygotes.

Submissions (4):

GeneDx
Classification: Uncertain significance. Last evaluated: 2025-08-04. Review status: criteria provided, single submitter. Criteria: GeneDx Variant Classification Process June 2021. Collection method: clinical testing. Allele origin: germline. Affected: yes.
Comment: In silico analysis supports that this missense variant has a deleterious effect on protein structure/function; Has not been previously published as pathogenic or benign to our knowledge

Ambry Genetics
Classification: Uncertain significance for Inborn genetic diseases. Last evaluated: 2024-12-11. Review status: criteria provided, single submitter. Criteria: Ambry Variant Classification Scheme 2023. Collection method: clinical testing. Allele origin: germline.

Labcorp Genetics (formerly Invitae), Labcorp
Classification: Uncertain significance for Nemaline myopathy 8. Last evaluated: 2022-10-04. Review status: criteria provided, single submitter. Criteria: Invitae Variant Classification Sherloc (09022015). Collection method: clinical testing. Allele origin: germline.
Comment: This sequence change replaces alanine, which is neutral and non-polar, with threonine, which is neutral and polar, at codon 561 of the KLHL40 protein (p.Ala561Thr). This variant is present in population databases (rs142487510, gnomAD 0.05%). This variant has not been reported in the literature in individuals affected with KLHL40-related conditions. ClinVar contains an entry for this variant (Variation ID: 952117). Advanced modeling of protein sequence and biophysical properties (such as structural, functional, and spatial information, amino acid conservation, physicochemical variation, residue mobility, and thermodynamic stability) performed at Invitae indicates that this missense variant is not expected to disrupt KLHL40 protein function. In summary, the available evidence is currently insufficient to determine the role of this variant in disease. Therefore, it has been classified as a Variant of Uncertain Significance.

Revvity Omics, Revvity
Classification: Uncertain significance for Nemaline myopathy 8. Last evaluated: 2021-04-19. Review status: criteria provided, single submitter. Criteria: ACMG Guidelines, 2015. Collection method: clinical testing. Allele origin: germline.

NM_152393.4(KLHL40):c.1681G>A (p.Ala561Thr)

Gene: KLHL40 (kelch like family member 40; plus strand). Cytogenetic location: 3p22.1.
Variant type: single nucleotide variant.
Coding change: c.1681G>A on transcript NM_152393.4 (MANE Select); coding-DNA position 1681, G replaced by A.
Protein change: p.Ala561Thr; replaces alanine 561 with threonine.
Molecular consequence: missense variant.
Genome position (GRCh38, 1-based): chr3:42,690,932, G>A. VCF-style: chr3-42690932-G-A. GRCh37 (hg19) VCF-style: chr3-42732424-G-A.
Other names: c.1681G>A (NM_152393.2); short protein forms A561T.
Identifiers: ClinVar variation 952117 (VCV000952117.8), dbSNP rs142487510, ClinGen allele CA2337051.